The following is an entry in ClinVar:

NM_000388.4(CASR):c.1888G>A (p.Val630Met)

Gene: CASR (calcium sensing receptor; plus strand). Cytogenetic location: 3q21.1.
Variant type: single nucleotide variant.
Coding change: c.1888G>A on transcript NM_000388.4 (MANE Select); coding-DNA position 1888, G replaced by A.
Protein change: p.Val630Met; replaces valine 630 with methionine.
Molecular consequence: missense variant.
Genome position (GRCh38, 1-based): chr3:122,283,842, G>A. VCF-style: chr3-122283842-G-A. GRCh37 (hg19) VCF-style: chr3-122002689-G-A.
Other names: c.1918G>A, p.Val640Met (NM_001178065.2); short protein forms V630M, V640M.
Identifiers: ClinVar variation 1383070 (VCV001383070.6), dbSNP rs1559968392, ClinGen allele CA354157847.

ClinVar aggregate classification (germline): Uncertain significance (1 of 4 stars; one submission).

Conditions:
Autosomal dominant hypocalcemia 1 (HYPOC1). Also called: HYPOCALCEMIA, FAMILIAL. Identifiers: MedGen C3715128, MONDO:0011013, OMIM 601198.
Familial hypocalciuric hypercalcemia (FHH). Also called: Familial benign hypercalcemia. Identifiers: Orphanet 405, MedGen C1809471, MONDO:0018458.

Submission:

Labcorp Genetics (formerly Invitae), Labcorp
Classification: Uncertain significance for Familial hypocalciuric hypercalcemia; Autosomal dominant hypocalcemia 1. Last evaluated: 2021-09-25. Review status: criteria provided, single submitter. Criteria: Invitae Variant Classification Sherloc (09022015). Collection method: clinical testing. Allele origin: germline.
Comment: This sequence change replaces valine with methionine at codon 630 of the CASR protein (p.Val630Met). The valine residue is highly conserved and there is a small physicochemical difference between valine and methionine. This variant is not present in population databases (ExAC no frequency). This variant has not been reported in the literature in individuals affected with CASR-related conditions. Algorithms developed to predict the effect of missense changes on protein structure and function are either unavailable or do not agree on the potential impact of this missense change (SIFT: "Deleterious"; PolyPhen-2: "Probably Damaging"; Align-GVGD: "Class C15"). In summary, the available evidence is currently insufficient to determine the role of this variant in disease. Therefore, it has been classified as a Variant of Uncertain Significance.